The following is an entry in ClinVar:

ClinVar aggregate classification (germline): Conflicting classifications of pathogenicity. Review status: criteria provided, conflicting classifications (1 of 4 stars). 5 submissions from 5 submitters: Uncertain significance (1); Benign (2); Likely benign (1). 1 of the submissions does not count toward it. Last evaluated 2025-10-25.

Conditions:
Alkaptonuria (AKU). Also called: Homogentisic acidura; Alkaptonuric ochronosis; HOMOGENTISIC ACID OXIDASE DEFICIENCY; Alcaptonuria. Identifiers: Orphanet 56, MedGen C0002066, MONDO:0008753, OMIM 203500.

Allele frequency attached by ClinVar (database versions not stated): ESP Exome Variant Server 0.00023; gnomAD 0.00027 and 0.00046; gnomAD exomes 0.00039 and 0.00103; TOPMed 0.00060; ExAC 0.00091; 1000 Genomes Project 30x 0.00172; 1000 Genomes Project 0.00200.
gnomAD v4.1: 642 of 1,611,162 alleles (0.04%); highest among the groups gnomAD compares: East Asian, 0.89%; 1 homozygote.

Submissions (5):

Labcorp Genetics (formerly Invitae), Labcorp
Classification: Benign for Alkaptonuria. Last evaluated: 2025-10-25. Review status: criteria provided, single submitter. Criteria: Invitae Variant Classification Sherloc (09022015). Collection method: clinical testing. Allele origin: germline.

GeneDx
Classification: Uncertain significance. Last evaluated: 2022-10-31. Review status: criteria provided, single submitter. Criteria: GeneDx Variant Classification Process June 2021. Collection method: clinical testing. Allele origin: germline. Affected: yes.
Comment: In silico analysis supports that this missense variant has a deleterious effect on protein structure/function; Has not been previously published as pathogenic or benign to our knowledge

Fulgent Genetics
Classification: Likely benign for Alkaptonuria. Last evaluated: 2021-09-22. Review status: criteria provided, single submitter. Criteria: ACMG Guidelines, 2015. Collection method: clinical testing. Allele origin: unknown.

Illumina Laboratory Services, Illumina
Classification: Benign for Alkaptonuria. Last evaluated: 2017-06-12. Review status: criteria provided, single submitter. Criteria: ICSL Variant Classification Criteria 13 December 2019. Collection method: clinical testing. Allele origin: germline.
Comment: This variant was observed as part of a predisposition screen in an ostensibly healthy population. A literature search was performed for the gene, cDNA change, and amino acid change (where applicable). No publications were found based on this search. Allele frequency data from public databases was too high to be consistent with this variant causing disease. Therefore, this variant is classified as benign.

Department Of Human Genetics, Institute Of Clinical And Translational Research, Biomedical Research Center, Slovak Academy Of Sciences
Classification: Pathogenic for Alkaptonuria. Review status: no assertion criteria provided. Collection method: research. Allele origin: germline. Inheritance: Autosomal recessive inheritance. Affected: yes. Observed: 1 variant allele. Not counted in ClinVar's aggregate classification.
Comment: The variant was originally described in AKU patient in PMID:23092576. It has been submitted to the HGD gene mutation database (DB-ID: AKU_00256).

Literature cited by the submitters: PubMed 23092576 (cited by Department Of Human Genetics, Institute Of Clinical And Translational Research, Biomedical Research Center, Slovak Academy Of Sciences).

NM_000187.4(HGD):c.221A>T (p.Glu74Val)

Gene: HGD (homogentisate 1,2-dioxygenase; minus strand). Cytogenetic location: 3q13.33.
Variant type: single nucleotide variant.
Coding change: c.221A>T on transcript NM_000187.4 (MANE Select); coding-DNA position 221, A replaced by T.
Protein change: p.Glu74Val; replaces glutamic acid 74 with valine.
Molecular consequence: missense variant.
Genome position (GRCh38, 1-based): chr3:120,670,488, T>A on the plus strand (A>T on the coding strand, the complement: HGD is on the minus strand). VCF-style: chr3-120670488-T-A. GRCh37 (hg19) VCF-style: chr3-120389335-T-A.
Other names: short protein forms E74V.
Identifiers: ClinVar variation 710691 (VCV000710691.17), dbSNP rs141965690, ClinGen allele CA2560306.